The following is an entry in ClinVar:

NM_001134407.3(GRIN2A):c.2291C>T (p.Ala764Val)

Gene: GRIN2A (glutamate ionotropic receptor NMDA type subunit 2A; minus strand). Cytogenetic location: 16p13.2.
Variant type: single nucleotide variant.
Coding change: c.2291C>T on transcript NM_001134407.3 (MANE Select); coding-DNA position 2291, C replaced by T.
Protein change: p.Ala764Val; replaces alanine 764 with valine.
Molecular consequence: missense variant.
Genome position (GRCh38, 1-based): chr16:9,798,342, G>A on the plus strand (C>T on the coding strand, the complement: GRIN2A is on the minus strand). VCF-style: chr16-9798342-G-A. GRCh37 (hg19) VCF-style: chr16-9892199-G-A.
Other names: c.2291C>T, p.Ala764Val (NM_000833.5, NM_001134408.2); short protein forms A764V.
Identifiers: ClinVar variation 1311916 (VCV001311916.2), dbSNP rs2141230499, ClinGen allele CA394797077.

ClinVar aggregate classification (germline): Uncertain significance (1 of 4 stars; one submission).

Submission:

GeneDx
Classification: Uncertain significance. Last evaluated: 2020-01-16. Review status: criteria provided, single submitter. Criteria: GeneDx Variant Classification Process June 2021. Collection method: clinical testing. Allele origin: germline. Affected: yes.
Comment: Not observed in large population cohorts (Lek et al., 2016); In silico analysis, which includes protein predictors and evolutionary conservation, supports a deleterious effect; Has not been previously published as pathogenic or benign to our knowledge